The following is an entry in ClinVar:

NM_032608.7(MYO18B):c.904G>A (p.Val302Ile)

Gene: MYO18B (myosin XVIIIB; plus strand). Cytogenetic location: 22q12.1.
Variant type: single nucleotide variant.
Coding change: c.904G>A on transcript NM_032608.7 (MANE Select); coding-DNA position 904, G replaced by A.
Protein change: p.Val302Ile; replaces valine 302 with isoleucine.
Molecular consequence: missense variant.
Genome position (GRCh38, 1-based): chr22:25,768,820, G>A. VCF-style: chr22-25768820-G-A. GRCh37 (hg19) VCF-style: chr22-26164787-G-A.
Other names: c.904G>A, p.Val302Ile (NM_001318245.2); short protein forms V302I.
Identifiers: ClinVar variation 2907539 (VCV002907539.1), dbSNP rs765793569, ClinGen allele CA10159718.
Genomic context (GRCh38, chr22:25,768,820, plus strand): 5'-GCAGAGAAGGAGGGAGCAGAGCCCACAAACACGGTGGAAAAGGGGAATGTCTCTAAGGAC[G>A]TAGGGAGTGAAGGGAAGCACGTAAGGCCCCAAATCCCTGGGAGAAAGTGGGGAGGTTTCC-3'
Protein context (NP_115997.5, residues 292-312): TVEKGNVSKD[Val302Ile]GSEGKHVRPQ

ClinVar aggregate classification (germline): Uncertain significance (1 of 4 stars; one submission).

Allele frequency attached by ClinVar (database versions not stated): gnomAD 0.00001.
gnomAD v4.1: 31 of 1,611,112 alleles (0.0019%); highest among the groups gnomAD compares: South Asian, 0.0033%; no homozygotes.

Submission:

Labcorp Genetics (formerly Invitae), Labcorp
Classification: Uncertain significance. Last evaluated: 2023-05-24. Review status: criteria provided, single submitter. Criteria: Invitae Variant Classification Sherloc (09022015). Collection method: clinical testing. Allele origin: germline.
Comment: This sequence change replaces valine, which is neutral and non-polar, with isoleucine, which is neutral and non-polar, at codon 302 of the MYO18B protein (p.Val302Ile). The frequency data for this variant in the population databases is considered unreliable, as metrics indicate poor data quality at this position in the gnomAD database. This variant has not been reported in the literature in individuals affected with MYO18B-related conditions. An algorithm developed to predict the effect of missense changes on protein structure and function (PolyPhen-2) suggests that this variant¬† is likely to be tolerated. In summary, the available evidence is currently insufficient to determine the role of this variant in disease. Therefore, it has been classified as a Variant of Uncertain Significance.